The following is an entry in ClinVar:

ClinVar aggregate classification (germline): Likely benign (1 of 4 stars; one submission).

Allele frequency attached by ClinVar (database versions not stated): ExAC 0.00002; gnomAD 0.00001; TOPMed 0.00001; gnomAD exomes 0.00002.
gnomAD v4.1: 41 of 1,604,268 alleles (0.0026%); highest among the groups gnomAD compares: Non-Finnish European, 0.0033%; no homozygotes.

Submission:

GeneDx
Classification: Likely benign. Last evaluated: 2015-12-28. Review status: criteria provided, single submitter. Criteria: GeneDx Variant Classification (06012015). Collection method: clinical testing. Allele origin: germline. Affected: yes.
Comment: This variant is considered likely benign or benign based on one or more of the following criteria: it is a conservative change, it occurs at a poorly conserved position in the protein, it is predicted to be benign by multiple in silico algorithms, and/or has population frequency not consistent with disease.

NM_005472.5(KCNE3):c.-30G>A

Gene: KCNE3 (potassium voltage-gated channel subfamily E regulatory subunit 3; minus strand). Cytogenetic location: 11q13.4.
Variant type: single nucleotide variant.
Coding change: c.-30G>A on transcript NM_005472.5 (MANE Select); 30 bases upstream of the start codon, G replaced by A.
Molecular consequence: 5 prime UTR variant.
Genome position (GRCh38, 1-based): chr11:74,457,593, C>T on the plus strand (G>A on the coding strand, the complement: KCNE3 is on the minus strand). VCF-style: chr11-74457593-C-T. GRCh37 (hg19) VCF-style: chr11-74168638-C-T.
Identifiers: ClinVar variation 382508 (VCV000382508.1), dbSNP rs750315850, ClinGen allele CA6184885.